The following is an entry in ClinVar:

ClinVar aggregate classification (germline): Likely benign. Review status: criteria provided, multiple submitters, no conflicts (2 of 4 stars). 3 submissions from 3 submitters: Likely benign (2). 1 of the submissions does not count toward it. Last evaluated 2026-01-27.

Conditions:
POLD1-related disorder. Also called: POLD1-related disorders; POLD1-related condition.
POLD1-related polyposis and colorectal cancer syndrome (CRCS10). Also called: Colorectal cancer, susceptibility to, 10; Colorectal cancer 10; COLORECTAL CANCER, SUSCEPTIBILITY TO, ON CHROMOSOME 19q. Identifiers: Orphanet 220460, MedGen C2675481, MONDO:0012953, OMIM 612591.
Hereditary cancer-predisposing syndrome. Also called: Hereditary Cancer Syndrome; Hereditary neoplastic syndrome; Neoplastic Syndromes, Hereditary; Tumor predisposition. Identifiers: Orphanet 140162, MedGen C0027672, MeSH D009386, MONDO:0015356.

Allele frequency attached by ClinVar (database versions not stated): gnomAD exomes 0.00001 and below 0.00001; TOPMed 0.00002; ExAC 0.00001.
gnomAD v4.1: 14 of 1,613,892 alleles (0.00087%); highest among the groups gnomAD compares: South Asian, 0.0022%; 1 homozygote.

Submissions (3):

Labcorp Genetics (formerly Invitae), Labcorp
Classification: Likely benign for POLD1-related polyposis and colorectal cancer syndrome. Last evaluated: 2026-01-27. Review status: criteria provided, single submitter. Criteria: Invitae Variant Classification Sherloc (09022015). Collection method: clinical testing. Allele origin: germline.

Ambry Genetics
Classification: Likely benign for Hereditary cancer-predisposing syndrome. Last evaluated: 2015-09-18. Review status: criteria provided, single submitter. Criteria: Ambry Variant Classification Scheme 2023. Collection method: clinical testing. Allele origin: germline.

PreventionGenetics, part of Exact Sciences
Classification: Likely benign for POLD1-related condition. Last evaluated: 2019-09-17. Review status: no assertion criteria provided. Collection method: clinical testing. Allele origin: germline. Not counted in ClinVar's aggregate classification.
Comment: This variant is classified as likely benign based on ACMG/AMP sequence variant interpretation guidelines (Richards et al. 2015 PMID: 25741868, with internal and published modifications).

NM_002691.4(POLD1):c.402G>T (p.Gly134=)

Gene: POLD1 (DNA polymerase delta 1, catalytic subunit; plus strand). Cytogenetic location: 19q13.33.
Variant type: single nucleotide variant.
Coding change: c.402G>T on transcript NM_002691.4 (MANE Select); coding-DNA position 402, G replaced by T.
Protein change: p.Gly134=; no amino-acid change (glycine 134 retained).
Molecular consequence: synonymous variant. On other transcripts: non-coding transcript variant (1).
Genome position (GRCh38, 1-based): chr19:50,401,863, G>T. VCF-style: chr19-50401863-G-T. GRCh37 (hg19) VCF-style: chr19-50905120-G-T.
Other names: c.402G>T, p.Gly134= (NM_001256849.1, NM_001308632.1).
Identifiers: ClinVar variation 797226 (VCV000797226.15), dbSNP rs777260240, ClinGen allele CA9595724.